The following is an entry in ClinVar:

NC_000016.9:g.(?_46694384)_(46731497_?)dup

Genes: ORC6 (origin recognition complex subunit 6; plus strand), VPS35 (VPS35 retromer complex component; minus strand). Cytogenetic location: 16q11.2.
Variant type: Duplication.
Identifiers: ClinVar variation 1017194 (VCV001017194.2).

ClinVar aggregate classification (germline): Uncertain significance (1 of 4 stars; one submission).

Submission:

Labcorp Genetics (formerly Invitae), Labcorp
Classification: Uncertain significance. Last evaluated: 2020-10-19. Review status: criteria provided, single submitter. Criteria: Invitae Variant Classification Sherloc (09022015). Collection method: clinical testing. Allele origin: germline.
Comment: A copy number gain of the genomic region encompassing the full coding sequence of the ORC6 gene has been identified. The boundaries of this event are unknown as they extend beyond the assayed region for this gene and therefore may encompass additional genes. As the precise location of this event is unknown, it may be in tandem or it may be located elsewhere in the genome. This variant has not been reported in the literature in individuals with ORC6-related conditions. Experimental studies and prediction algorithms are not available or were not evaluated, and the functional significance of this variant is currently unknown. In summary, the available evidence is currently insufficient to determine the role of this variant in disease. Therefore, it has been classified as a Variant of Uncertain Significance.